The following is an entry in ClinVar:

ClinVar aggregate classification (germline): Uncertain significance (1 of 4 stars; one submission).

Conditions:
Hereditary sensory and autonomic neuropathy type 7. Also called: HSAN VII; Neuropathy, hereditary sensory and autonomic, type VII. Identifiers: Orphanet 391397, MedGen C3809882, MONDO:0014244, OMIM 615548.
Familial episodic pain syndrome with predominantly lower limb involvement. Also called: Episodic pain syndrome, familial, 3. Identifiers: Orphanet 391384, Orphanet 391392, MedGen C3809899, MONDO:0014247, OMIM 615552.

Allele frequency attached by ClinVar (database versions not stated): TOPMed below 0.00001; gnomAD 0.00001.
gnomAD v4.1: 1 of 1,600,358 alleles (0.000062%); highest among the groups gnomAD compares: African/African-American, 0.0013%; no homozygotes.

Submission:

Labcorp Genetics (formerly Invitae), Labcorp
Classification: Uncertain significance for Familial episodic pain syndrome with predominantly lower limb involvement; Hereditary sensory and autonomic neuropathy type 7. Last evaluated: 2022-09-17. Review status: criteria provided, single submitter. Criteria: Invitae Variant Classification Sherloc (09022015). Collection method: clinical testing. Allele origin: germline.
Comment: In summary, the available evidence is currently insufficient to determine the role of this variant in disease. Therefore, it has been classified as a Variant of Uncertain Significance. Algorithms developed to predict the effect of sequence changes on RNA splicing suggest that this variant may disrupt the consensus splice site. This variant has not been reported in the literature in individuals affected with SCN11A-related conditions. This variant is not present in population databases (gnomAD no frequency). This sequence change affects codon 803 of the SCN11A mRNA. It is a 'silent' change, meaning that it does not change the encoded amino acid sequence of the SCN11A protein.

NM_001349253.2(SCN11A):c.2409C>A (p.Leu803=)

Gene: SCN11A (sodium voltage-gated channel alpha subunit 11; minus strand). Cytogenetic location: 3p22.2.
Variant type: single nucleotide variant.
Coding change: c.2409C>A on transcript NM_001349253.2 (MANE Select); coding-DNA position 2409, C replaced by A.
Protein change: p.Leu803=; no amino-acid change (leucine 803 retained).
Molecular consequence: synonymous variant.
Genome position (GRCh38, 1-based): chr3:38,894,959, G>T on the plus strand (C>A on the coding strand, the complement: SCN11A is on the minus strand). VCF-style: chr3-38894959-G-T. GRCh37 (hg19) VCF-style: chr3-38936450-G-T.
Other names: c.2409C>A, p.Leu803= (NM_014139.3).
Identifiers: ClinVar variation 2085411 (VCV002085411.4), dbSNP rs2065571530, ClinGen allele CA433336252.